The following is an entry in ClinVar:

NM_001365068.1(ASTN2):c.3355+4750G>T

Gene: ASTN2 (astrotactin 2; minus strand). Cytogenetic location: 9q33.1.
Variant type: single nucleotide variant.
Coding change: c.3355+4750G>T on transcript NM_001365068.1 (MANE Select); 4750 bases into the intron after coding-DNA position 3355, G replaced by T.
Molecular consequence: intron variant. On other transcripts: synonymous variant (1).
Genome position (GRCh38, 1-based): chr9:116,613,574, C>A on the plus strand (G>T on the coding strand, the complement: ASTN2 is on the minus strand). VCF-style: chr9-116613574-C-A. GRCh37 (hg19) VCF-style: chr9-119375853-C-A.
Other names: c.543G>T, p.Arg181= (NM_001184735.1); c.3202+4750G>T (NM_014010.5); c.3343+4750G>T (NM_001365069.1); c.511+4750G>T (NM_001184734.1, NM_198188.2, NM_198187.3); c.658+4750G>T (NM_198186.3).
Identifiers: ClinVar variation 4980888 (VCV004980888.1).

ClinVar aggregate classification (germline): Likely benign (1 of 4 stars; one submission).

Conditions:
ASTN2-related disorder. Also called: ASTN2-related condition.

gnomAD v4.1: 3,010 of 155,734 alleles (1.9%); highest among the groups gnomAD compares: South Asian, 28%; 394 homozygotes.

Submission:

PreventionGenetics, part of Exact Sciences
Classification: Likely benign for ASTN2-related condition. Last evaluated: 2026-02-16. Review status: criteria provided, single submitter. Criteria: ACMG Guidelines, 2015. Collection method: clinical testing. Allele origin: germline.
Comment: This variant is classified as likely benign based on ACMG/AMP sequence variant interpretation guidelines (Richards et al. 2015 PMID: 25741868, with internal and published modifications).